The following is an entry in ClinVar:

NM_001375524.1(TRRAP):c.9356C>G (p.Ala3119Gly)

Gene: TRRAP (transformation/transcription domain associated protein; plus strand). Cytogenetic location: 7q22.1.
Variant type: single nucleotide variant.
Coding change: c.9356C>G on transcript NM_001375524.1 (MANE Select); coding-DNA position 9356, C replaced by G.
Protein change: p.Ala3119Gly; replaces alanine 3119 with glycine.
Molecular consequence: missense variant.
Genome position (GRCh38, 1-based): chr7:98,985,011, C>G. VCF-style: chr7-98985011-C-G. GRCh37 (hg19) VCF-style: chr7-98582634-C-G.
Other names: c.9368C>G, p.Ala3123Gly (NM_001244580.2); c.9281C>G, p.Ala3094Gly (NM_003496.4); short protein forms A3094G, A3119G, A3123G.
Identifiers: ClinVar variation 1690960 (VCV001690960.2), dbSNP rs2116768843, ClinGen allele CA368319703.

ClinVar aggregate classification (germline): Uncertain significance (1 of 4 stars; one submission).

Submission:

Laboratorio de Genetica e Diagnostico Molecular, Hospital Israelita Albert Einstein
Classification: Uncertain significance. Last evaluated: 2020-11-09. Review status: criteria provided, single submitter. Criteria: ACMG Guidelines, 2015. Collection method: clinical testing. Allele origin: germline. Affected: yes.
Comment: ACMG classification criteria: PM2, PP2